The following is an entry in ClinVar:

NM_006218.4(PIK3CA):c.649C>T (p.Pro217Ser)

Gene: PIK3CA (phosphatidylinositol-4,5-bisphosphate 3-kinase catalytic subunit alpha; plus strand). Cytogenetic location: 3q26.32.
Variant type: single nucleotide variant.
Coding change: c.649C>T on transcript NM_006218.4 (MANE Select); coding-DNA position 649, C replaced by T.
Protein change: p.Pro217Ser; replaces proline 217 with serine.
Molecular consequence: missense variant.
Genome position (GRCh38, 1-based): chr3:179,201,376, C>T. VCF-style: chr3-179201376-C-T. GRCh37 (hg19) VCF-style: chr3-178919164-C-T.
Other names: short protein forms P217S.
Identifiers: ClinVar variation 2006458 (VCV002006458.4), dbSNP rs1223886939, ClinGen allele CA355276592.
Genomic context (GRCh38, chr3:179,201,376, plus strand): 5'-ATAGTTTCTCCAAATAATGACAAGCAGAAGTATACTCTGAAAATCAACCATGACTGTGTA[C>T]CAGAACAAGTAATTGCTGAAGCAATCAGGAAAAAAACTCGAAGTATGTTGCTATCCTCTG-3'
Protein context (NP_006209.2, residues 207-227): YTLKINHDCV[Pro217Ser]EQVIAEAIRK

ClinVar aggregate classification (germline): Uncertain significance (1 of 4 stars; one submission).

Conditions:
Cowden syndrome (CS). Also called: Cowden's disease; Cowden's syndrome; Cowden disease. Identifiers: Orphanet 201, MedGen C0018553, MONDO:0016063. Disease mechanism: gain of function.

Allele frequency attached by ClinVar (database versions not stated): gnomAD exomes below 0.00001.
gnomAD v4.1: 1 of 1,613,344 alleles (0.000062%); highest among the groups gnomAD compares: East Asian, 0.0022%; no homozygotes.

Submission:

Labcorp Genetics (formerly Invitae), Labcorp
Classification: Uncertain significance for Cowden syndrome. Last evaluated: 2025-09-02. Review status: criteria provided, single submitter. Criteria: Invitae Variant Classification Sherloc (09022015). Collection method: clinical testing. Allele origin: germline.
Comment: This sequence change replaces proline, which is neutral and non-polar, with serine, which is neutral and polar, at codon 217 of the PIK3CA protein (p.Pro217Ser). This variant is present in population databases (no rsID available, gnomAD 0.006%). This variant has not been reported in the literature in individuals affected with PIK3CA-related conditions. ClinVar contains an entry for this variant (Variation ID: 2006458). Invitae Evidence Modeling of protein sequence and biophysical properties (such as structural, functional, and spatial information, amino acid conservation, physicochemical variation, residue mobility, and thermodynamic stability) indicates that this missense variant is expected to disrupt PIK3CA protein function with a positive predictive value of 95%. In summary, the available evidence is currently insufficient to determine the role of this variant in disease. Therefore, it has been classified as a Variant of Uncertain Significance.